The following is an entry in ClinVar:

ClinVar aggregate classification (germline): Uncertain significance (1 of 4 stars; one submission).

Conditions:
Inborn genetic diseases. Identifiers: MedGen C0950123, MeSH D030342.

Submission:

Ambry Genetics
Classification: Uncertain significance for Inborn genetic diseases. Last evaluated: 2025-12-14. Review status: criteria provided, single submitter. Criteria: Ambry Variant Classification Scheme 2023. Collection method: clinical testing. Allele origin: germline.
Comment: The p.K105Q variant (also known as c.313A>C), located in coding exon 3 of the CEP57 gene, results from an A to C substitution at nucleotide position 313. The lysine at codon 105 is replaced by glutamine, an amino acid with similar properties. This amino acid position is conserved. In addition, this alteration is predicted to be deleterious by in silico analysis. Based on the available evidence, the clinical significance of this variant remains unclear.

NM_014679.5(CEP57):c.313A>C (p.Lys105Gln)

Gene: CEP57 (centrosomal protein 57; plus strand). Cytogenetic location: 11q21.
Variant type: single nucleotide variant.
Coding change: c.313A>C on transcript NM_014679.5 (MANE Select); coding-DNA position 313, A replaced by C.
Protein change: p.Lys105Gln; replaces lysine 105 with glutamine.
Molecular consequence: missense variant. On other transcripts: intron variant (3).
Genome position (GRCh38, 1-based): chr11:95,813,042, A>C. VCF-style: chr11-95813042-A-C. GRCh37 (hg19) VCF-style: chr11-95546206-A-C.
Other names: c.286A>C, p.Lys96Gln (NM_001243776.2); c.313A>C, p.Lys105Gln (NM_001243777.2, NM_001440871.1, NM_001440872.1 and 4 more transcripts); c.232A>C, p.Lys78Gln (NM_001363604.2, NM_001440869.1, NM_001440870.1 and 3 more transcripts); c.203-426A>C (NM_001440873.1, NM_001440881.1); c.122-426A>C (NM_001440880.1); short protein forms K96Q, K78Q, K105Q.
Identifiers: ClinVar variation 4613754 (VCV004613754.1).